The following is an entry in ClinVar:

ClinVar aggregate classification (germline): Conflicting classifications of pathogenicity. Review status: criteria provided, conflicting classifications (1 of 4 stars). 8 submissions from 8 submitters: Uncertain significance (1); Likely benign (6). 1 of the submissions does not count toward it. Last evaluated 2025-11-18.

Conditions:
CHARGE syndrome (CHARGE). Also called: Coloboma, heart anomaly, choanal atresia, retardation, genital and ear anomalies; CHARGE association; Hall-Hittner syndrome; Hittner Hirsch Kreh syndrome; CHARGE ASSOCIATION--COLOBOMA, HEART ANOMALY, CHOANAL ATRESIA, RETARDATION, GENITAL AND EAR ANOMALIES. Identifiers: Orphanet 138, MedGen C0265354, MONDO:0008965.
CHD7-related disorder. Also called: CHD7-related condition.
Inborn genetic diseases. Identifiers: MedGen C0950123, MeSH D030342.
Hypogonadotropic hypogonadism 5 with or without anosmia (KAL5). Also called: HYPOGONADOTROPIC HYPOGONADISM 5 WITH ANOSMIA; HYPOGONADOTROPHIC HYPOGONADISM 5 WITHOUT ANOSMIA; CHD7-Related GnRH Deficiency (Kallmann Syndrome 5). Identifiers: Orphanet 478, MedGen C3552553, MONDO:0012880, OMIM 612370. Disease mechanism: loss of function.

Allele frequency attached by ClinVar (database versions not stated): gnomAD exomes 0.00016; TOPMed 0.00022; gnomAD 0.00023 and 0.00024; ExAC 0.00029; ESP Exome Variant Server 0.00034.
gnomAD v4.1: 719 of 1,610,170 alleles (0.045%); highest among the groups gnomAD compares: Non-Finnish European, 0.059%; no homozygotes.

Submissions (8):

Labcorp Genetics (formerly Invitae), Labcorp
Classification: Likely benign for CHARGE syndrome. Last evaluated: 2025-11-18. Review status: criteria provided, single submitter. Criteria: Invitae Variant Classification Sherloc (09022015). Collection method: clinical testing. Allele origin: germline.

Blueprint Genetics
Classification: Likely benign. Last evaluated: 2024-07-05. Review status: criteria provided, single submitter. Criteria: ACMG Guidelines, 2015. Collection method: clinical testing. Allele origin: germline.

CeGaT Center for Human Genetics Tuebingen
Classification: Likely benign. Last evaluated: 2024-06-01. Review status: criteria provided, single submitter. Criteria: CeGaT Center For Human Genetics Tuebingen Variant Classification Criteria Version 2. Collection method: clinical testing. Allele origin: germline. Affected: yes. Observed: 1 variant allele.
Comment: CHD7: BS1

Department of Pathology and Laboratory Medicine, Sinai Health System
Classification: Uncertain significance for CHARGE syndrome. Last evaluated: 2021-07-30. Review status: criteria provided, single submitter. Criteria: ACMG Guidelines, 2015. Collection method: research. Allele origin: germline.

GeneDx
Classification: Likely benign. Last evaluated: 2020-09-03. Review status: criteria provided, single submitter. Criteria: GeneDx Variant Classification Process June 2021. Collection method: clinical testing. Allele origin: germline. Affected: yes.

Illumina Laboratory Services, Illumina
Classification: Likely benign for Kallmann Syndrome 5. Last evaluated: 2018-01-13. Review status: criteria provided, single submitter. Criteria: ICSL Variant Classification Criteria 13 December 2019. Collection method: clinical testing. Allele origin: germline.
Comment: This variant was observed in the ICSL laboratory as part of a predisposition screen in an ostensibly healthy population. It had not been previously curated by ICSL or reported in the Human Gene Mutation Database (HGMD: prior to June 1st, 2018), and was therefore a candidate for classification through an automated scoring system. Utilizing variant allele frequency, disease prevalence and penetrance estimates, and inheritance mode, an automated score was calculated to assess if this variant is too frequent to cause the disease. Based on the score and internal cut-off values, a variant classified as likely benign is not then subjected to further curation. The score for this variant resulted in a classification of likely benign for this disease.

Ambry Genetics
Classification: Likely benign for Inborn genetic diseases. Last evaluated: 2017-10-12. Review status: criteria provided, single submitter. Criteria: Ambry Variant Classification Scheme 2023. Collection method: clinical testing. Allele origin: germline.

PreventionGenetics, part of Exact Sciences
Classification: Likely benign for CHD7-related condition. Last evaluated: 2022-04-20. Review status: no assertion criteria provided. Collection method: clinical testing. Allele origin: germline. Not counted in ClinVar's aggregate classification.
Comment: This variant is classified as likely benign based on ACMG/AMP sequence variant interpretation guidelines (Richards et al. 2015 PMID: 25741868, with internal and published modifications).

NM_017780.4(CHD7):c.6965A>G (p.Asn2322Ser)

Gene: CHD7 (chromodomain helicase DNA binding protein 7; plus strand). Cytogenetic location: 8q12.2.
Variant type: single nucleotide variant.
Coding change: c.6965A>G on transcript NM_017780.4 (MANE Select); coding-DNA position 6965, A replaced by G.
Protein change: p.Asn2322Ser; replaces asparagine 2322 with serine.
Molecular consequence: missense variant. On other transcripts: intron variant (1).
Genome position (GRCh38, 1-based): chr8:60,856,003, A>G. VCF-style: chr8-60856003-A-G. GRCh37 (hg19) VCF-style: chr8-61768562-A-G.
Other names: c.1717-6226A>G (NM_001316690.1); short protein forms N2322S.
Identifiers: ClinVar variation 652119 (VCV000652119.38), dbSNP rs201470035, ClinGen allele CA4760712.